The following is an entry in ClinVar:

NM_001353694.2(TIAM1):c.352C>G (p.Leu118Val)

Gene: TIAM1 (TIAM Rac1 associated GEF 1; minus strand). Cytogenetic location: 21q22.11.
Variant type: single nucleotide variant.
Coding change: c.352C>G on transcript NM_001353694.2 (MANE Select); coding-DNA position 352, C replaced by G.
Protein change: p.Leu118Val; replaces leucine 118 with valine.
Molecular consequence: missense variant.
Genome position (GRCh38, 1-based): chr21:31,266,621, G>C on the plus strand (C>G on the coding strand, the complement: TIAM1 is on the minus strand). VCF-style: chr21-31266621-G-C. GRCh37 (hg19) VCF-style: chr21-32638937-G-C.
Other names: c.352C>G, p.Leu118Val (NM_001353686.2, NM_001353687.2, NM_001353688.1 and 6 more transcripts); short protein forms L118V.
Identifiers: ClinVar variation 4690081 (VCV004690081.1).

ClinVar aggregate classification (germline): Uncertain significance (1 of 4 stars; one submission).

gnomAD v4.1: 8 of 1,614,198 alleles (0.0005%); highest among the groups gnomAD compares: East Asian, 0.013%; no homozygotes.

Submission:

GeneDx
Classification: Uncertain significance. Last evaluated: 2025-07-27. Review status: criteria provided, single submitter. Criteria: GeneDx Variant Classification Process June 2021. Collection method: clinical testing. Allele origin: germline. Affected: yes.
Comment: Has not been previously published as pathogenic or benign to our knowledge; In silico analysis suggests that this missense variant does not alter protein structure/function